The following is an entry in ClinVar:

NM_001134407.3(GRIN2A):c.*3305C>A

Gene: GRIN2A (glutamate ionotropic receptor NMDA type subunit 2A; minus strand). Cytogenetic location: 16p13.2.
Variant type: single nucleotide variant.
Coding change: c.*3305C>A on transcript NM_001134407.3 (MANE Select); 3305 bases downstream of the stop codon, C replaced by A.
Molecular consequence: 3 prime UTR variant.
Genome position (GRCh38, 1-based): chr16:9,759,844, G>T on the plus strand (C>A on the coding strand, the complement: GRIN2A is on the minus strand). VCF-style: chr16-9759844-G-T. GRCh37 (hg19) VCF-style: chr16-9853701-G-T.
Other names: c.*3305C>A (NM_000833.5); c.*3511C>A (NM_001134408.2).
Identifiers: ClinVar variation 321553 (VCV000321553.5), dbSNP rs149492540, ClinGen allele CA10648483.

ClinVar aggregate classification (germline): Benign (1 of 4 stars; one submission).

Conditions:
Landau-Kleffner syndrome (FESD). Also called: EPILEPSY, FOCAL, WITH SPEECH DISORDER AND WITH OR WITHOUT MENTAL RETARDATION; APHASIA, ACQUIRED, WITH EPILEPSY. Identifiers: Orphanet 1945, Orphanet 725, Orphanet 98818, MedGen C0282512, MONDO:0009509, OMIM 245570.

Allele frequency attached by ClinVar (database versions not stated): 1000 Genomes Project 0.00100; gnomAD 0.00124 and 0.00123; TOPMed 0.00122; 1000 Genomes Project 30x 0.00109.
gnomAD v4.1: 304 of 229,774 alleles (0.13%); highest among the groups gnomAD compares: Admixed American, 0.2%; no homozygotes.

Submission:

Illumina Laboratory Services, Illumina
Classification: Benign for Landau-Kleffner syndrome. Last evaluated: 2018-01-13. Review status: criteria provided, single submitter. Criteria: ICSL Variant Classification Criteria 13 December 2019. Collection method: clinical testing. Allele origin: germline.
Comment: This variant was observed in the ICSL laboratory as part of a predisposition screen in an ostensibly healthy population. It had not been previously curated by ICSL or reported in the Human Gene Mutation Database (HGMD: prior to June 1st, 2018), and was therefore a candidate for classification through an automated scoring system. Utilizing variant allele frequency, disease prevalence and penetrance estimates, and inheritance mode, an automated score was calculated to assess if this variant is too frequent to cause the disease. Based on the score and internal cut-off values, a variant classified as benign is not then subjected to further curation. The score for this variant resulted in a classification of benign for this disease.